The following is an entry in ClinVar:

NM_183357.3(ADCY5):c.1108G>T (p.Ala370Ser)

Gene: ADCY5 (adenylate cyclase 5; minus strand). Cytogenetic location: 3q21.1.
Variant type: single nucleotide variant.
Coding change: c.1108G>T on transcript NM_183357.3 (MANE Select); coding-DNA position 1108, G replaced by T.
Protein change: p.Ala370Ser; replaces alanine 370 with serine.
Molecular consequence: missense variant.
Genome position (GRCh38, 1-based): chr3:123,447,438, C>A on the plus strand (G>T on the coding strand, the complement: ADCY5 is on the minus strand). VCF-style: chr3-123447438-C-A. GRCh37 (hg19) VCF-style: chr3-123166285-C-A.
Other names: c.1108G>T, p.Ala370Ser (NM_001378259.1); short protein forms A370S.
Identifiers: ClinVar variation 4700285 (VCV004700285.1).
Genomic context (GRCh38, chr3:123,447,438, plus strand): 5'-GCAATCCAGTCCCGGTGGCCAGGTCGGCCCCTACCTGCTTCAGCAGGAACTGGTCCTGGG[C>A]GTTGGTGCGCAGGGCGATGGCCAGGTGGAGGGCGGACAGGAGCACCCCGCTGAGCACTGC-3'
Protein context (NP_899200.1, residues 360-380): LHLAIALRTN[Ala370Ser]QDQFLLKQLV

ClinVar aggregate classification (germline): Uncertain significance (1 of 4 stars; one submission).

gnomAD v4.1: 19 of 1,597,914 alleles (0.0012%); highest among the groups gnomAD compares: Non-Finnish European, 0.0015%; no homozygotes.

Submission:

Labcorp Genetics (formerly Invitae), Labcorp
Classification: Uncertain significance. Last evaluated: 2025-12-04. Review status: criteria provided, single submitter. Criteria: Invitae Variant Classification Sherloc (09022015). Collection method: clinical testing. Allele origin: germline.
Comment: This sequence change replaces alanine, which is neutral and non-polar, with serine, which is neutral and polar, at codon 370 of the ADCY5 protein (p.Ala370Ser). The frequency data for this variant in the population databases is considered unreliable, as metrics indicate poor data quality at this position in the gnomAD database. This variant has not been reported in the literature in individuals affected with ADCY5-related conditions. Invitae Evidence Modeling of protein sequence and biophysical properties (such as structural, functional, and spatial information, amino acid conservation, physicochemical variation, residue mobility, and thermodynamic stability) indicates that this missense variant is not expected to disrupt ADCY5 protein function with a negative predictive value of 95%. In summary, the available evidence is currently insufficient to determine the role of this variant in disease. Therefore, it has been classified as a Variant of Uncertain Significance.